The following is an entry in ClinVar:

ClinVar aggregate classification (germline): Benign/Likely benign. Review status: criteria provided, multiple submitters, no conflicts (2 of 4 stars). 11 submissions from 9 submitters: Benign (3); Likely benign (6). 2 of the submissions do not count toward it. Last evaluated 2026-09-01.

Conditions:
Usher syndrome type 1 (USH1). Also called: RETINITIS PIGMENTOSA AND CONGENITAL DEAFNESS. Identifiers: Orphanet 231169, Orphanet 886, MedGen C1568247, MONDO:0010168, OMIM 276900.
Autosomal recessive nonsyndromic hearing loss 2. Also called: DEAFNESS, AUTOSOMAL RECESSIVE 2; NEUROSENSORY NONSYNDROMIC RECESSIVE DEAFNESS 2. Identifiers: Orphanet 90636, MedGen C1838701, MONDO:0010807, OMIM 600060.
Autosomal dominant nonsyndromic hearing loss 11. Identifiers: Orphanet 90635, MedGen C1832475, MONDO:0011032, OMIM 601317.

Allele frequency attached by ClinVar (database versions not stated): 1000 Genomes Project 0.00200; TOPMed 0.00236; 1000 Genomes Project 30x 0.00187.
gnomAD v4.1: 4,706 of 1,613,434 alleles (0.29%); highest among the groups gnomAD compares: Admixed American, 0.4%; 10 homozygotes.

Submissions (11):

CeGaT Center for Human Genetics Tuebingen
Classification: Likely benign. Last evaluated: 2026-09-01. Review status: criteria provided, single submitter. Criteria: CeGaT Center For Human Genetics Tuebingen Variant Classification Criteria Version 2. Collection method: clinical testing. Allele origin: germline. Affected: yes. Observed: 6 variant alleles.
Comment: MYO7A: BP4, BP7

Labcorp Genetics (formerly Invitae), Labcorp
Classification: Benign. Last evaluated: 2026-02-01. Review status: criteria provided, single submitter. Criteria: Invitae Variant Classification Sherloc (09022015). Collection method: clinical testing. Allele origin: germline.

Blueprint Genetics
Classification: Likely benign. Last evaluated: 2024-11-13. Review status: criteria provided, single submitter. Criteria: ACMG Guidelines, 2015. Collection method: clinical testing. Allele origin: germline.

GeneDx
Classification: Likely benign. Last evaluated: 2021-06-19. Review status: criteria provided, single submitter. Criteria: GeneDx Variant Classification Process June 2021. Collection method: clinical testing. Allele origin: germline. Affected: yes.

Eurofins Ntd Llc (ga)
Classification: Likely benign. Last evaluated: 2018-04-24. Review status: criteria provided, single submitter. Criteria: EGL ClinVar v180209 classification definitions. Collection method: clinical testing. Allele origin: germline. Observed: 1 variant allele, 1 heterozygote.

Illumina Laboratory Services, Illumina
Classification: Likely benign for Autosomal recessive nonsyndromic hearing loss 2. Last evaluated: 2017-04-27. Review status: criteria provided, single submitter. Criteria: ICSL Variant Classification Criteria 13 December 2019. Collection method: clinical testing. Allele origin: germline.
Comment: This variant was observed as part of a predisposition screen in an ostensibly healthy population. A literature search was performed for the gene, cDNA change, and amino acid change (where applicable). Publications were found based on this search. The evidence from the literature, in combination with allele frequency data from public databases where available, was sufficient to determine this variant is unlikely to cause disease. Therefore, this variant is classified as likely benign.

Illumina Laboratory Services, Illumina
Classification: Likely benign for Usher syndrome type 1. Last evaluated: 2017-04-27. Review status: criteria provided, single submitter. Criteria: ICSL Variant Classification Criteria 13 December 2019. Collection method: clinical testing. Allele origin: germline.
Comment: the same text as in the submission from Illumina Laboratory Services, Illumina above.

Illumina Laboratory Services, Illumina
Classification: Benign for Autosomal dominant nonsyndromic hearing loss 11. Last evaluated: 2017-04-27. Review status: criteria provided, single submitter. Criteria: ICSL Variant Classification Criteria 13 December 2019. Collection method: clinical testing. Allele origin: germline.
Comment: This variant was observed as part of a predisposition screen in an ostensibly healthy population. A literature search was performed for the gene, cDNA change, and amino acid change (where applicable). Publications were found based on this search. The evidence from the literature, in combination with allele frequency data from public databases where available, was sufficient to rule this variant out of causing disease. Therefore, this variant is classified as benign.

Laboratory for Molecular Medicine, Mass General Brigham Personalized Medicine
Classification: Benign. Last evaluated: 2012-03-20. Review status: criteria provided, single submitter. Criteria: LMM Criteria. Collection method: clinical testing. Allele origin: germline. Observed: 12 variant alleles.
Comment: Leu1866Leu in exon 40 of MYO7A: This variant is not expected to have clinical si gnificance because it does not alter an amino acid residue, is not located withi n the splice consensus sequence, has been identified in 2.3% (82/3500) of Afric an American chromosomes in a broad population by the NHLBI Exome sequencing proj ect (dbSNP rs111033504) and is reported as be nign in one publication (Jaijo 2009).

Clinical Genetics DNA and cytogenetics Diagnostics Lab, Erasmus MC, Erasmus Medical Center
Classification: Likely benign. Review status: no assertion criteria provided. Collection method: clinical testing. Allele origin: germline. Affected: yes. Study: VKGL Data-share Consensus. Not counted in ClinVar's aggregate classification.

Clinical Genetics, Academic Medical Center
Classification: Benign. Review status: no assertion criteria provided. Collection method: clinical testing. Allele origin: germline. Affected: yes. Study: VKGL Data-share Consensus. Not counted in ClinVar's aggregate classification.

Literature cited by the submitters: PubMed 20146813 (cited by Illumina Laboratory Services, Illumina and Laboratory for Molecular Medicine, Mass General Brigham Personalized Medicine); PubMed 17361009 (cited by Illumina Laboratory Services, Illumina); PubMed 19683999 (cited by Illumina Laboratory Services, Illumina and Laboratory for Molecular Medicine, Mass General Brigham Personalized Medicine).

NM_000260.4(MYO7A):c.5598C>A (p.Leu1866=)

Gene: MYO7A (myosin VIIA; plus strand). Cytogenetic location: 11q13.5.
Variant type: single nucleotide variant.
Coding change: c.5598C>A on transcript NM_000260.4 (MANE Select); coding-DNA position 5598, C replaced by A.
Protein change: p.Leu1866=; no amino-acid change (leucine 1866 retained).
Molecular consequence: synonymous variant.
Genome position (GRCh38, 1-based): chr11:77,205,579, C>A. VCF-style: chr11-77205579-C-A. GRCh37 (hg19) VCF-style: chr11-76916624-C-A.
Other names: c.5484C>A, p.Leu1828= (NM_001127180.2); c.5451C>A, p.Leu1817= (NM_001369365.1).
Identifiers: ClinVar variation 43287 (VCV000043287.68), dbSNP rs111033504, ClinGen allele CA132392.